The following is an entry in ClinVar:

ClinVar aggregate classification (germline): Uncertain significance (1 of 4 stars; one submission).

Conditions:
Inborn genetic diseases. Identifiers: MedGen C0950123, MeSH D030342.

Submission:

Ambry Genetics
Classification: Uncertain significance for Inborn genetic diseases. Last evaluated: 2017-05-10. Review status: criteria provided, single submitter. Criteria: Ambry Variant Classification Scheme 2023. Collection method: clinical testing. Allele origin: germline.
Comment: The p.G800A variant (also known as c.2399G>C), located in coding exon 4 of the MBD5 gene, results from a G to C substitution at nucleotide position 2399. The glycine at codon 800 is replaced by alanine, an amino acid with similar properties. This amino acid position is highly conserved in available vertebrate species. In addition, the in silico prediction for this alteration is inconclusive. Since supporting evidence is limited at this time, the clinical significance of this alteration remains unclear.

NM_001378120.1(MBD5):c.2399G>C (p.Gly800Ala)

Gene: MBD5 (methyl-CpG binding domain protein 5; plus strand). Cytogenetic location: 2q23.1.
Variant type: single nucleotide variant.
Coding change: c.2399G>C on transcript NM_001378120.1 (MANE Select); coding-DNA position 2399, G replaced by C.
Protein change: p.Gly800Ala; replaces glycine 800 with alanine.
Molecular consequence: missense variant.
Genome position (GRCh38, 1-based): chr2:148,470,342, G>C. VCF-style: chr2-148470342-G-C. GRCh37 (hg19) VCF-style: chr2-149227911-G-C.
Other names: c.2399G>C, p.Gly800Ala (NM_018328.5); short protein forms G800A.
Identifiers: ClinVar variation 589643 (VCV000589643.5), dbSNP rs201668347, ClinGen allele CA348721784.